The following is an entry in ClinVar:

ClinVar aggregate classification (germline): Pathogenic (1 of 4 stars; one submission).

Conditions:
Juvenile polyposis syndrome (JPS). Identifiers: Orphanet 2929, MedGen C0345893, MONDO:0017380, OMIM 174900.

Submission:

Labcorp Genetics (formerly Invitae), Labcorp
Classification: Pathogenic for Juvenile polyposis syndrome. Last evaluated: 2021-07-17. Review status: criteria provided, single submitter. Criteria: Invitae Variant Classification Sherloc (09022015). Collection method: clinical testing. Allele origin: germline.
Comment: This variant has not been reported in the literature in individuals affected with SMAD4-related conditions. For these reasons, this variant has been classified as Pathogenic. This variant is not present in population databases (ExAC no frequency). This sequence change creates a premature translational stop signal (p.Val158*) in the SMAD4 gene. It is expected to result in an absent or disrupted protein product. Loss-of-function variants in SMAD4 are known to be pathogenic (PMID: 16152648, 16436638, 22810475).

Literature cited by the submitters: PubMed 16152648; PubMed 16436638; PubMed 22810475.

NM_005359.6(SMAD4):c.472del (p.Met157_Val158insTer)

Gene: SMAD4 (SMAD family member 4; plus strand). Cytogenetic location: 18q21.2.
Variant type: Deletion.
Coding change: c.472del on transcript NM_005359.6 (MANE Select); coding-DNA position 472, one base deleted (G; older notation c.472delG).
Protein change: p.Met157_Val158insTer.
Molecular consequence: nonsense.
Genome position (GRCh38, 1-based): chr18:51,054,798, G deleted; the last of 2 consecutive G bases (chr18:51,054,797-51,054,798); deleting either gives the same sequence. VCF-style (leftmost placement, unchanged base first): chr18-51054796-TG-T. GRCh37 (hg19) VCF-style: chr18-48581166-TG-T.
Identifiers: ClinVar variation 1434302 (VCV001434302.6), dbSNP rs2144417880, ClinGen allele CA2573155405.